The following is an entry in ClinVar:

NM_207122.2(EXT2):c.1799A>G (p.Tyr600Cys)

Gene: EXT2 (exostosin glycosyltransferase 2; plus strand). Cytogenetic location: 11p11.2.
Variant type: single nucleotide variant.
Coding change: c.1799A>G on transcript NM_207122.2 (MANE Select); coding-DNA position 1799, A replaced by G.
Protein change: p.Tyr600Cys; replaces tyrosine 600 with cysteine.
Molecular consequence: missense variant.
Genome position (GRCh38, 1-based): chr11:44,232,489, A>G. VCF-style: chr11-44232489-A-G. GRCh37 (hg19) VCF-style: chr11-44254039-A-G.
Other names: c.1898A>G, p.Tyr633Cys (NM_000401.3); c.1829A>G, p.Tyr610Cys (NM_001178083.3); c.1799A>G, p.Tyr600Cys (NM_001389628.1, NM_001389630.1); short protein forms Y600C, Y610C, Y633C.
Identifiers: ClinVar variation 2891311 (VCV002891311.3), dbSNP rs1255934468, ClinGen allele CA380183113.

ClinVar aggregate classification (germline): Uncertain significance (1 of 4 stars; one submission).

Conditions:
Exostoses, multiple, type 2 (EXT2). Also called: Hereditary Multiple Osteochondromatosis, Type II; EXOSTOSES, MULTIPLE, TYPE II. Identifiers: Orphanet 321, MedGen C1851413, MONDO:0007586, OMIM 133701.

Allele frequency attached by ClinVar (database versions not stated): gnomAD 0.00001; TOPMed 0.00001.
gnomAD v4.1: 2 of 1,613,864 alleles (0.00012%); highest among the groups gnomAD compares: African/African-American, 0.0027%; no homozygotes.

Submission:

Labcorp Genetics (formerly Invitae), Labcorp
Classification: Uncertain significance for Exostoses, multiple, type 2. Last evaluated: 2023-05-11. Review status: criteria provided, single submitter. Criteria: Invitae Variant Classification Sherloc (09022015). Collection method: clinical testing. Allele origin: germline.
Comment: This sequence change replaces tyrosine, which is neutral and polar, with cysteine, which is neutral and slightly polar, at codon 600 of the EXT2 protein (p.Tyr600Cys). In summary, the available evidence is currently insufficient to determine the role of this variant in disease. Therefore, it has been classified as a Variant of Uncertain Significance. Advanced modeling of protein sequence and biophysical properties (such as structural, functional, and spatial information, amino acid conservation, physicochemical variation, residue mobility, and thermodynamic stability) performed at Invitae indicates that this missense variant is expected to disrupt EXT2 protein function. This variant has not been reported in the literature in individuals affected with EXT2-related conditions. This variant is not present in population databases (gnomAD no frequency).